The following is an entry in ClinVar:

NM_000760.4(CSF3R):c.997G>A (p.Ala333Thr)

Gene: CSF3R (colony stimulating factor 3 receptor; minus strand). Cytogenetic location: 1p34.3.
Variant type: single nucleotide variant.
Coding change: c.997G>A on transcript NM_000760.4 (MANE Select); coding-DNA position 997, G replaced by A.
Protein change: p.Ala333Thr; replaces alanine 333 with threonine.
Molecular consequence: missense variant.
Genome position (GRCh38, 1-based): chr1:36,472,238, C>T on the plus strand (G>A on the coding strand, the complement: CSF3R is on the minus strand). VCF-style: chr1-36472238-C-T. GRCh37 (hg19) VCF-style: chr1-36937839-C-T.
Other names: c.997G>A, p.Ala333Thr (NM_156039.3, NM_172313.3); short protein forms A333T.
Identifiers: ClinVar variation 838932 (VCV000838932.9), dbSNP rs750345536, ClinGen allele CA769324.

ClinVar aggregate classification (germline): Uncertain significance (1 of 4 stars; one submission).

Conditions:
Autosomal recessive severe congenital neutropenia due to CSF3R deficiency. Also called: Neutropenia, severe congenital, 7, autosomal recessive. Identifiers: Orphanet 420702, MedGen C4310764, MONDO:0014865, OMIM 617014.

Allele frequency attached by ClinVar (database versions not stated): ExAC 0.00001; gnomAD exomes 0.00001 and 0.00002; gnomAD 0.00002; TOPMed 0.00002.
gnomAD v4.1: 9 of 1,614,018 alleles (0.00056%); highest among the groups gnomAD compares: East Asian, 0.011%; no homozygotes.

Submission:

Labcorp Genetics (formerly Invitae), Labcorp
Classification: Uncertain significance for Autosomal recessive severe congenital neutropenia due to CSF3R deficiency. Last evaluated: 2025-02-03. Review status: criteria provided, single submitter. Criteria: Invitae Variant Classification Sherloc (09022015). Collection method: clinical testing. Allele origin: germline.
Comment: This sequence change replaces alanine, which is neutral and non-polar, with threonine, which is neutral and polar, at codon 333 of the CSF3R protein (p.Ala333Thr). This variant also falls at the last nucleotide of exon 8, which is part of the consensus splice site for this exon. This variant is present in population databases (rs750345536, gnomAD 0.03%). This variant has not been reported in the literature in individuals affected with CSF3R-related conditions. ClinVar contains an entry for this variant (Variation ID: 838932). An algorithm developed to predict the effect of missense changes on protein structure and function (PolyPhen-2) suggests that this variant is likely to be tolerated. Variants that disrupt the consensus splice site are a relatively common cause of aberrant splicing (PMID: 17576681, 9536098). Algorithms developed to predict the effect of sequence changes on RNA splicing suggest that this variant may disrupt the consensus splice site. In summary, the available evidence is currently insufficient to determine the role of this variant in disease. Therefore, it has been classified as a Variant of Uncertain Significance.

Literature cited by the submitters: PubMed 17576681; PubMed 9536098.